The following is an entry in ClinVar:

NM_000321.3(RB1):c.1278dup (p.Lys427Ter)

Gene: RB1 (RB transcriptional corepressor 1; plus strand). Cytogenetic location: 13q14.2.
Variant type: Duplication.
Coding change: c.1278dup on transcript NM_000321.3 (MANE Select); coding-DNA position 1278, one base duplicated (T; older notation c.1278dupT).
Protein change: p.Lys427Ter; replaces lysine 427 with a stop codon.
Molecular consequence: nonsense.
Genome position (GRCh38, 1-based): chr13:48,376,980, T duplicated; the last of 3 consecutive T bases (chr13:48,376,978-48,376,980); duplicating any one gives the same sequence. VCF-style (leftmost placement, unchanged base first): chr13-48376977-C-CT. GRCh37 (hg19) VCF-style: chr13-48951113-C-CT.
Other names: c.1278dupT (NM_000321.2); short protein forms K427*.
Identifiers: ClinVar variation 458116 (VCV000458116.8), dbSNP rs1555286236, ClinGen allele CA658656361.

ClinVar aggregate classification (germline): Pathogenic (1 of 4 stars; one submission).

Conditions:
Retinoblastoma (RB1). Also called: RETINOBLASTOMA, SOMATIC. Identifiers: Orphanet 790, MedGen C0035335, MeSH D012175, MONDO:0008380, OMIM 180200, HP:0009919. Disease mechanism: loss of function. Inheritance: Both sporadic and heritable forms are tested..

Submission:

Labcorp Genetics (formerly Invitae), Labcorp
Classification: Pathogenic for Retinoblastoma. Last evaluated: 2017-01-09. Review status: criteria provided, single submitter. Criteria: Invitae Variant Classification Sherloc (09022015). Collection method: clinical testing. Allele origin: germline.
Comment: For these reasons, this variant has been classified as Pathogenic. While this particular variant has not been reported in the literature, loss-of-function variants in RB1 are known to be pathogenic (PMID: 17096365). This sequence change inserts 1 nucleotide in exon 13 of the RB1 mRNA (c.1278dupT). This creates a premature translational stop signal (p.Lys427*) and is expected to result in an absent or disrupted protein product.

Literature cited by the submitters: PubMed 17096365.